The following is an entry in ClinVar:

NM_013382.7(POMT2):c.287A>G (p.Tyr96Cys)

Gene: POMT2 (protein O-mannosyltransferase 2; minus strand). Cytogenetic location: 14q24.3.
Variant type: single nucleotide variant.
Coding change: c.287A>G on transcript NM_013382.7 (MANE Select); coding-DNA position 287, A replaced by G.
Protein change: p.Tyr96Cys; replaces tyrosine 96 with cysteine.
Molecular consequence: missense variant.
Genome position (GRCh38, 1-based): chr14:77,311,995, T>C on the plus strand (A>G on the coding strand, the complement: POMT2 is on the minus strand). VCF-style: chr14-77311995-T-C. GRCh37 (hg19) VCF-style: chr14-77778338-T-C.
Other names: short protein forms Y96C.
Identifiers: ClinVar variation 2678033 (VCV002678033.3), dbSNP rs748900993, ClinGen allele CA7286240.

ClinVar aggregate classification (germline): Pathogenic/Likely pathogenic. Review status: criteria provided, multiple submitters, no conflicts (2 of 4 stars). 3 submissions from 3 submitters: Pathogenic (1); Likely pathogenic (2). Last evaluated 2025-06-05.

Conditions:
Muscular dystrophy-dystroglycanopathy (congenital with impaired intellectual development), type B, 2. Also called: MUSCULAR DYSTROPHY, CONGENITAL, POMT2-RELATED; Muscular dystrophy-dystroglycanopathy (congenital with intellectual disability), type B2. Identifiers: MedGen C3150416, MONDO:0013160, OMIM 613156.
Muscular dystrophy-dystroglycanopathy (congenital with brain and eye anomalies), type A2. Also called: MUSCULAR DYSTROPHY-DYSTROGLYCANOPATHY (CONGENITAL WITH BRAIN AND EYE ANOMALIES), TYPE A, 2; WALKER-WARBURG SYNDROME OR MUSCLE-EYE-BRAIN DISEASE, POMT2-RELATED. Identifiers: Orphanet 588, Orphanet 899, MedGen C3150411, MONDO:0013154, OMIM 613150.
Autosomal recessive limb-girdle muscular dystrophy type 2N. Also called: Muscular dystrophy-dystroglycanopathy (limb-girdle), type C, 2; MUSCULAR DYSTROPHY-DYSTROGLYCANOPATHY, LIMB-GIRDLE, POMT2-RELATED. Identifiers: Orphanet 206559, MedGen C3150418, MONDO:0013162, OMIM 613158.

Allele frequency attached by ClinVar (database versions not stated): ExAC 0.00003.
gnomAD v4.1: 9 of 1,614,010 alleles (0.00056%); highest among the groups gnomAD compares: South Asian, 0.0044%; no homozygotes.

Submissions (3):

GeneDx
Classification: Likely pathogenic. Last evaluated: 2025-06-05. Review status: criteria provided, single submitter. Criteria: GeneDx Variant Classification Process June 2021. Collection method: clinical testing. Allele origin: germline. Affected: yes.
Comment: Not observed at significant frequency in large population cohorts (gnomAD); In silico analysis supports that this missense variant has a deleterious effect on protein structure/function; This variant is associated with the following publications: (PMID: 17923109, 34413876, 33176815)

Fulgent Genetics
Classification: Likely pathogenic for Muscular dystrophy-dystroglycanopathy (congenital with brain and eye anomalies), type A2; Muscular dystrophy-dystroglycanopathy (congenital with impaired intellectual development), type B, 2; Autosomal recessive limb-girdle muscular dystrophy type 2N. Last evaluated: 2024-01-10. Review status: criteria provided, single submitter. Criteria: ACMG Guidelines, 2015. Collection method: clinical testing. Allele origin: germline.

Baylor Genetics
Classification: Pathogenic for Muscular dystrophy-dystroglycanopathy (congenital with brain and eye anomalies), type A2. Last evaluated: 2023-03-13. Review status: criteria provided, single submitter. Criteria: ACMG Guidelines, 2015. Collection method: clinical testing. Allele origin: unknown.